The following is an entry in ClinVar:

ClinVar aggregate classification (germline): Likely benign (1 of 4 stars; one submission).

gnomAD v4.1: 50 of 1,613,630 alleles (0.0031%); highest among the groups gnomAD compares: Middle Eastern, 0.033%; no homozygotes.

Submission:

CeGaT Center for Human Genetics Tuebingen
Classification: Likely benign. Last evaluated: 2025-10-01. Review status: criteria provided, single submitter. Criteria: CeGaT Center For Human Genetics Tuebingen Variant Classification Criteria Version 2. Collection method: clinical testing. Allele origin: germline. Affected: yes. Observed: 1 variant allele.
Comment: GTF3C5: BP4, BP7

NM_012087.4(GTF3C5):c.1443G>A (p.Thr481=)

Gene: GTF3C5 (general transcription factor IIIC subunit 5; plus strand). Cytogenetic location: 9q34.13.
Variant type: single nucleotide variant.
Coding change: c.1443G>A on transcript NM_012087.4 (MANE Select); coding-DNA position 1443, G replaced by A.
Protein change: p.Thr481=; no amino-acid change (threonine 481 retained).
Molecular consequence: synonymous variant.
Genome position (GRCh38, 1-based): chr9:133,057,863, G>A. VCF-style: chr9-133057863-G-A. GRCh37 (hg19) VCF-style: chr9-135933250-G-A.
Other names: c.1464G>A, p.Thr488= (NM_001122823.2); c.921G>A, p.Thr307= (NM_001286709.2).
Identifiers: ClinVar variation 4534336 (VCV004534336.6).